The following is an entry in ClinVar:

ClinVar aggregate classification (germline): Uncertain significance (1 of 4 stars; one submission).

Conditions:
Arrhythmogenic cardiomyopathy with wooly hair and keratoderma. Also called: PALMOPLANTAR KERATODERMA WITH LEFT VENTRICULAR CARDIOMYOPATHY AND WOOLLY HAIR; Carvajal syndrome; Dilated cardiomyopathy with woolly hair and keratoderma; Arrhythmogenic cardiomyopathy with woolly hair and keratoderma. Identifiers: Orphanet 65282, MedGen C1854063, MONDO:0011581, OMIM 605676.

Allele frequency attached by ClinVar (database versions not stated): gnomAD exomes below 0.00001; ExAC 0.00001; ESP Exome Variant Server 0.00008.
gnomAD v4.1: 1 of 1,614,184 alleles (0.000062%); highest among the groups gnomAD compares: Non-Finnish European, 0.000085%; no homozygotes.

Submission:

All of Us Research Program, National Institutes of Health
Classification: Uncertain significance for Arrhythmogenic cardiomyopathy with wooly hair and keratoderma. Last evaluated: 2023-10-02. Review status: criteria provided, single submitter. Criteria: ACMG Guidelines, 2015. Collection method: clinical testing. Allele origin: germline. Inheritance: Autosomal dominant inheritance. Observed: 1 variant allele, 1 heterozygote.
Comment: This missense variant replaces glycine with aspartic acid at codon 2574 of the DSP protein. Computational prediction suggests that this variant may not impact protein structure and function (internally defined REVEL score threshold <= 0.5, PMID: 27666373). To our knowledge, functional studies have not been reported for this variant. This variant has not been reported in individuals affected with cardiovascular disorders in the literature. This variant has not been identified in the general population by the Genome Aggregation Database (gnomAD). The available evidence is insufficient to determine the role of this variant in disease conclusively. Therefore, this variant is classified as a Variant of Uncertain Significance.

This study involves interpretation of variants in research participants for the purpose of population health screening. Participant phenotype was not available at the time of variant classification. Additional details can be found in publication PMID: 35346344, PMCID: PMC8962531

NM_004415.4(DSP):c.7721G>A (p.Gly2574Asp)

Gene: DSP (desmoplakin; plus strand). Cytogenetic location: 6p24.3.
Variant type: single nucleotide variant.
Coding change: c.7721G>A on transcript NM_004415.4 (MANE Select); coding-DNA position 7721, G replaced by A.
Protein change: p.Gly2574Asp; replaces glycine 2574 with aspartic acid.
Molecular consequence: missense variant.
Genome position (GRCh38, 1-based): chr6:7,584,983, G>A. VCF-style: chr6-7584983-G-A. GRCh37 (hg19) VCF-style: chr6-7585216-G-A.
Other names: c.5924G>A, p.Gly1975Asp (NM_001008844.3); c.6392G>A, p.Gly2131Asp (NM_001319034.2); short protein forms G1975D, G2131D, G2574D.
Identifiers: ClinVar variation 3073667 (VCV003073667.1), dbSNP rs144211524, ClinGen allele CA050515.
Genomic context (GRCh38, chr6:7,584,983, plus strand): 5'-TCACTCAATTTGCTGACATGATCTCCTTGAAAAATGGTGTCGGCACCAGCAGCAGCATGG[G>A]CAGTGGTGTCAGCGATGATGTTTTTAGCAGCTCCCGACATGAATCAGTAAGTAAGATTTC-3'
Protein context (NP_004406.2, residues 2564-2584): KNGVGTSSSM[Gly2574Asp]SGVSDDVFSS